The following is an entry in ClinVar:

NM_024301.5(FKRP):c.121C>A (p.Arg41Ser)

Gene: FKRP (fukutin related protein; plus strand). Cytogenetic location: 19q13.32.
Variant type: single nucleotide variant.
Coding change: c.121C>A on transcript NM_024301.5 (MANE Select); coding-DNA position 121, C replaced by A.
Protein change: p.Arg41Ser; replaces arginine 41 with serine.
Molecular consequence: missense variant.
Genome position (GRCh38, 1-based): chr19:46,755,571, C>A. VCF-style: chr19-46755571-C-A. GRCh37 (hg19) VCF-style: chr19-47258828-C-A.
Other names: c.121C>A, p.Arg41Ser (NM_001039885.3); short protein forms R41S.
Identifiers: ClinVar variation 1478958 (VCV001478958.5), dbSNP rs2122609166, ClinGen allele CA406494704.

ClinVar aggregate classification (germline): Uncertain significance (1 of 4 stars; one submission).

Conditions:
Walker-Warburg congenital muscular dystrophy. Also called: Muscular dystrophy-dystroglycanopathy, type A; Walker-Warburg syndrome. Identifiers: Orphanet 899, MedGen C0265221, MONDO:0000171.

Submission:

Labcorp Genetics (formerly Invitae), Labcorp
Classification: Uncertain significance for Walker-Warburg congenital muscular dystrophy. Last evaluated: 2021-09-01. Review status: criteria provided, single submitter. Criteria: Invitae Variant Classification Sherloc (09022015). Collection method: clinical testing. Allele origin: germline.
Comment: This sequence change replaces arginine with serine at codon 41 of the FKRP protein (p.Arg41Ser). The arginine residue is moderately conserved and there is a moderate physicochemical difference between arginine and serine. This variant is not present in population databases (ExAC no frequency). This variant has not been reported in the literature in individuals affected with FKRP-related conditions. Algorithms developed to predict the effect of missense changes on protein structure and function (SIFT, PolyPhen-2, Align-GVGD) all suggest that this variant is likely to be tolerated. Algorithms developed to predict the effect of sequence changes on RNA splicing suggest that this variant may create or strengthen a splice site. In summary, the available evidence is currently insufficient to determine the role of this variant in disease. Therefore, it has been classified as a Variant of Uncertain Significance.